The following is an entry in ClinVar:

NM_000321.3(RB1):c.320C>T (p.Ala107Val)

Gene: RB1 (RB transcriptional corepressor 1; plus strand). Cytogenetic location: 13q14.2.
Variant type: single nucleotide variant.
Coding change: c.320C>T on transcript NM_000321.3 (MANE Select); coding-DNA position 320, C replaced by T.
Protein change: p.Ala107Val; replaces alanine 107 with valine.
Molecular consequence: missense variant.
Genome position (GRCh38, 1-based): chr13:48,342,654, C>T. VCF-style: chr13-48342654-C-T. GRCh37 (hg19) VCF-style: chr13-48916790-C-T.
Other names: c.320C>T, p.Ala107Val (NM_001407165.1, NM_001407166.1); short protein forms A107V.
Identifiers: ClinVar variation 4882912 (VCV004882912.2).
Genomic context (GRCh38, chr13:48,342,654, plus strand): 5'-CCCAGGGAGGTTATATTCAAAAGAAAAAGGAACTGTGGGGAATCTGTATCTTTATTGCAG[C>T]AGTTGACCTAGATGAGATGTCGTTCACTTTTACTGAGCTACAGAAAAACATAGAAATCAG-3'
Protein context (NP_000312.2, residues 97-117): ELWGICIFIA[Ala107Val]VDLDEMSFTF

ClinVar aggregate classification (germline): Uncertain significance (1 of 4 stars; one submission).

gnomAD v4.1: 2 of 1,612,738 alleles (0.00012%); no homozygotes.

Submission:

Dasa
Classification: Uncertain significance. Last evaluated: 2025-05-16. Review status: criteria provided, single submitter. Criteria: DASA Assertion Criteria. Collection method: clinical testing. Allele origin: germline.
Comment: NM_000321.3(RB1):c.320C>T (p.Ala107Val) is a missense variant that results in the substitution of alanine with valine. This variant is rare in population databases. Computational prediction algorithms are consistent with a benign effect. The currently available literature and clinical evidence are not sufficient to establish a definitive association between this variant and the reported condition. Therefore, this variant is classified as a variant of uncertain significance.